The following is an entry in ClinVar:

NM_000212.3(ITGB3):c.166-2A>G

Gene: ITGB3 (integrin subunit beta 3; plus strand). Cytogenetic location: 17q21.32.
Variant type: single nucleotide variant.
Coding change: c.166-2A>G on transcript NM_000212.3 (MANE Select); the canonical splice acceptor site of the intron before coding-DNA position 166, A replaced by G.
Molecular consequence: splice acceptor variant.
Genome position (GRCh38, 1-based): chr17:47,283,352, A>G. VCF-style: chr17-47283352-A-G. GRCh37 (hg19) VCF-style: chr17-45360718-A-G.
Identifiers: ClinVar variation 996186 (VCV000996186.5), dbSNP rs75354240, ClinGen allele CA291224483.
Genomic context (GRCh38, chr17:47,283,352, plus strand): 5'-AGGAGGTAGAGAGTCGCCATAGCTCTGATTGCTGGACTTCTCTTTGGGCTCCTGTCTTAC[A>G]GGCCCTGCCTCTGGGCTCACCTCGCTGTGACCTGAAGGAGAATCTGCTGAAGGATAACTG-3'

ClinVar aggregate classification (germline): Pathogenic. Review status: reviewed by expert panel (3 of 4 stars). 2 submissions from 2 submitters: Pathogenic (1). 1 of the submissions does not count toward it. Last evaluated 2020-10-14.

Conditions:
Glanzmann thrombasthenia. Also called: Glanzmann's thrombasthenia; PLATELET GLYCOPROTEIN IIb-IIIa DEFICIENCY; BLEEDING DISORDER, PLATELET-TYPE, 2; THROMBASTHENIA OF GLANZMANN AND NAEGELI; Thrombasthenia. Identifiers: Orphanet 849, MedGen C0040015, MONDO:0100326.

Submissions (2):

ClinGen Platelet Disorders Variant Curation Expert Panel, ClinGen
Classification: Pathogenic for Glanzmann thrombasthenia. Last evaluated: 2020-10-14. Review status: reviewed by expert panel. Criteria: ClinGen Platelet ACMG Specifications v2. Collection method: curation. Allele origin: germline. Inheritance: Autosomal recessive inheritance.
Comment: The ITGB3 splice acceptor variant NM_000212.3:c.166-2A>G is predicted to lead to skipping of exon 3, causing a frameshift that introduces a premature termination codon. The resulting mRNA product is predicted to undergo nonsense mediated decay, leading to loss of normal protein function. This variant has been observed in homozygosity in two individuals (CabGT-19 in PMID: 20020534 and GT6 in PMID: 25373348), at least one of which was reported to have a phenotype specific for Glanzmann's thrombasthenia (GT). Furthermore, the variant is absent from control population databases. In summary, this variant meets criteria to be classified as pathogenic for GT. GT-specific criteria applied: PVS1, PM3, PP4_strong, and PM2_supporting.

Labcorp Genetics (formerly Invitae), Labcorp
Classification: Likely pathogenic. Last evaluated: 2023-09-29. Review status: criteria provided, single submitter. Criteria: Invitae Variant Classification Sherloc (09022015). Collection method: clinical testing. Allele origin: germline. Not counted in ClinVar's aggregate classification.
Comment: In summary, the currently available evidence indicates that the variant is pathogenic, but additional data are needed to prove that conclusively. Therefore, this variant has been classified as Likely Pathogenic. Algorithms developed to predict the effect of sequence changes on RNA splicing suggest that this variant may disrupt the consensus splice site. ClinVar contains an entry for this variant (Variation ID: 996186). Disruption of this splice site has been observed in individual(s) with Glanzmann thrombasthenia (PMID: 20020534, 25373348). This variant is not present in population databases (gnomAD no frequency). This sequence change affects an acceptor splice site in intron 2 of the ITGB3 gene. It is expected to disrupt RNA splicing. Variants that disrupt the donor or acceptor splice site typically lead to a loss of protein function (PMID: 16199547), and loss-of-function variants in ITGB3 are known to be pathogenic (PMID: 21917754).

Literature cited by the submitters: PubMed 20020534 (cited by Labcorp Genetics (formerly Invitae), Labcorp); PubMed 25373348 (cited by Labcorp Genetics (formerly Invitae), Labcorp); PubMed 16199547 (cited by Labcorp Genetics (formerly Invitae), Labcorp); PubMed 21917754 (cited by Labcorp Genetics (formerly Invitae), Labcorp).